The following is an entry in ClinVar:

NM_001605.3(AARS1):c.811C>G (p.Gln271Glu)

Gene: AARS1 (alanyl-tRNA synthetase 1; minus strand). Cytogenetic location: 16q22.1.
Variant type: single nucleotide variant.
Coding change: c.811C>G on transcript NM_001605.3 (MANE Select); coding-DNA position 811, C replaced by G.
Protein change: p.Gln271Glu; replaces glutamine 271 with glutamic acid.
Molecular consequence: missense variant.
Genome position (GRCh38, 1-based): chr16:70,270,201, G>C on the plus strand (C>G on the coding strand, the complement: AARS1 is on the minus strand). VCF-style: chr16-70270201-G-C. GRCh37 (hg19) VCF-style: chr16-70304104-G-C.
Other names: short protein forms Q271E.
Identifiers: ClinVar variation 1682282 (VCV001682282.6), dbSNP rs1597442182, ClinGen allele CA396565091.

ClinVar aggregate classification (germline): Uncertain significance (1 of 4 stars; one submission).

Conditions:
Charcot-Marie-Tooth disease type 2. Also called: Charcot-Marie-Tooth type 2. Identifiers: Orphanet 64746, MedGen C0270914, MONDO:0018993.

Submission:

Labcorp Genetics (formerly Invitae), Labcorp
Classification: Uncertain significance for Charcot-Marie-Tooth disease type 2. Last evaluated: 2022-06-29. Review status: criteria provided, single submitter. Criteria: Invitae Variant Classification Sherloc (09022015). Collection method: clinical testing. Allele origin: germline.
Comment: In summary, the available evidence is currently insufficient to determine the role of this variant in disease. Therefore, it has been classified as a Variant of Uncertain Significance. Algorithms developed to predict the effect of missense changes on protein structure and function (SIFT, PolyPhen-2, Align-GVGD) all suggest that this variant is likely to be tolerated. This variant has not been reported in the literature in individuals affected with AARS-related conditions. This variant is not present in population databases (gnomAD no frequency). This sequence change replaces glutamine, which is neutral and polar, with glutamic acid, which is acidic and polar, at codon 271 of the AARS protein (p.Gln271Glu).